The following is an entry in ClinVar:

NM_022132.5(MCCC2):c.1657dup (p.Ile553fs)

Gene: MCCC2 (methylcrotonyl-CoA carboxylase subunit 2; plus strand). Cytogenetic location: 5q13.2.
Variant type: Duplication.
Coding change: c.1657dup on transcript NM_022132.5 (MANE Select); coding-DNA position 1657, one base duplicated (A; older notation c.1657dupA).
Protein change: p.Ile553fs; shifts the reading frame from isoleucine 553.
Molecular consequence: frameshift variant.
Genome position (GRCh38, 1-based): chr5:71,656,825, A duplicated; the last of 2 consecutive A bases (chr5:71,656,824-71,656,825); duplicating either gives the same sequence. VCF-style (leftmost placement, unchanged base first): chr5-71656823-C-CA. GRCh37 (hg19) VCF-style: chr5-70952650-C-CA.
Other names: c.1657dupA (NM_022132.4); c.1543dup, p.Ile515fs (NM_001363147.1); short protein forms I515fs, I553fs.
Identifiers: ClinVar variation 1938341 (VCV001938341.7), dbSNP rs2530870782, ClinGen allele CA2578331604.
Genomic context (GRCh38, chr5:71,656,823, plus strand): 5'-TTGATCCAGCAGACACCAGACTGGTCTTGGGTCTCAGTTTTAGTGCAGCCCTCAACGCAC[C>CA]AATAGAGAAGACTGACTTCGGTATCTTCAGGATGTAACTGGAATAAAGGATGTTTTCTGT-3'

ClinVar aggregate classification (germline): Pathogenic/Likely pathogenic. Review status: criteria provided, multiple submitters, no conflicts (2 of 4 stars). 3 submissions from 3 submitters: Pathogenic (1); Likely pathogenic (2). Last evaluated 2025-07-10.

Conditions:
3-methylcrotonyl-CoA carboxylase 2 deficiency. Also called: METHYLCROTONYLGLYCINURIA, TYPE II; 3 alpha methylcrotonyl-CoA carboxylase 2 deficiency; 3 alpha methylcrotonylglycinuria 2; MCC 2 deficiency; Methylcrotonylglycinuria type 2. Identifiers: Orphanet 6, MedGen C1859499, MONDO:0008862, OMIM 210210.

Submissions (3):

Natera, Inc.
Classification: Likely pathogenic for 3-methylcrotonyl-CoA carboxylase 2 deficiency. Last evaluated: 2025-07-10. Review status: criteria provided, single submitter. Criteria: Natera Variant Classification Schema (03/2026). Collection method: clinical testing. Allele origin: germline.
Comment: The c.1657dupA variant in MCCC2 is a frameshift variant predicted to shift the reading frame beginning at codon 553 and leads to a stop codon 5 codons downstream. This variant is expected to result in nonsense mediated decay, truncation, or a dysfunctional protein product. This variant is rare in the general population with a frequency below the threshold expected for the associated phenotype(s). Given the available evidence, this variant is classified as Likely Pathogenic.

Fulgent Genetics
Classification: Likely pathogenic for 3-methylcrotonyl-CoA carboxylase 2 deficiency. Last evaluated: 2024-04-16. Review status: criteria provided, single submitter. Criteria: ACMG Guidelines, 2015. Collection method: clinical testing. Allele origin: germline.

Labcorp Genetics (formerly Invitae), Labcorp
Classification: Pathogenic for 3-methylcrotonyl-CoA carboxylase 2 deficiency. Last evaluated: 2023-03-14. Review status: criteria provided, single submitter. Criteria: Invitae Variant Classification Sherloc (09022015). Collection method: clinical testing. Allele origin: germline.
Comment: This sequence change creates a premature translational stop signal (p.Ile553Asnfs*5) in the MCCC2 gene. While this is not anticipated to result in nonsense mediated decay, it is expected to disrupt the last 11 amino acid(s) of the MCCC2 protein. For these reasons, this variant has been classified as Pathogenic. This variant disrupts a region of the MCCC2 protein in which other variant(s) (p.Gly559Asp) have been determined to be pathogenic (PMID: 27033733; Invitae). This suggests that this is a clinically significant region of the protein, and that variants that disrupt it are likely to be disease-causing. ClinVar contains an entry for this variant (Variation ID: 1938341). This variant has not been reported in the literature in individuals affected with MCCC2-related conditions. This variant is not present in population databases (gnomAD no frequency).

Literature cited by the submitters: PubMed 27033733 (cited by Labcorp Genetics (formerly Invitae), Labcorp).